The following is an entry in ClinVar:

NM_001035.3(RYR2):c.6666G>A (p.Leu2222=)

Gene: RYR2 (ryanodine receptor 2; plus strand). Cytogenetic location: 1q43.
Variant type: single nucleotide variant.
Coding change: c.6666G>A on transcript NM_001035.3 (MANE Select); coding-DNA position 6666, G replaced by A.
Protein change: p.Leu2222=; no amino-acid change (leucine 2222 retained).
Molecular consequence: synonymous variant.
Genome position (GRCh38, 1-based): chr1:237,633,688, G>A. VCF-style: chr1-237633688-G-A. GRCh37 (hg19) VCF-style: chr1-237796988-G-A.
Identifiers: ClinVar variation 3069560 (VCV003069560.1), dbSNP rs2546927076, ClinGen allele CA423818296.

ClinVar aggregate classification (germline): Likely benign (1 of 4 stars; one submission).

Conditions:
Catecholaminergic polymorphic ventricular tachycardia (CVPT). Also called: Catecholamine-induced polymorphic ventricular tachycardia. Identifiers: Orphanet 3286, MedGen C5574922, MONDO:0017990.

Submission:

All of Us Research Program, National Institutes of Health
Classification: Likely benign for Catecholaminergic polymorphic ventricular tachycardia. Last evaluated: 2023-02-24. Review status: criteria provided, single submitter. Criteria: ACMG Guidelines, 2015. Collection method: clinical testing. Allele origin: germline. Inheritance: Autosomal dominant inheritance. Observed: 1 variant allele, 1 heterozygote.
Comment: This study involves interpretation of variants in research participants for the purpose of population health screening. Participant phenotype was not available at the time of variant classification. Additional details can be found in publication PMID: 35346344, PMCID: PMC8962531